The following is an entry in ClinVar:

NM_001035.3(RYR2):c.14060A>T (p.Lys4687Met)

Gene: RYR2 (ryanodine receptor 2; plus strand). Cytogenetic location: 1q43.
Variant type: single nucleotide variant.
Coding change: c.14060A>T on transcript NM_001035.3 (MANE Select); coding-DNA position 14060, A replaced by T.
Protein change: p.Lys4687Met; replaces lysine 4687 with methionine.
Molecular consequence: missense variant.
Genome position (GRCh38, 1-based): chr1:237,798,140, A>T. VCF-style: chr1-237798140-A-T. GRCh37 (hg19) VCF-style: chr1-237961440-A-T.
Other names: short protein forms K4687M.
Identifiers: ClinVar variation 4083318 (VCV004083318.1).

ClinVar aggregate classification (germline): Uncertain significance (1 of 4 stars; one submission).

Submission:

GeneDx
Classification: Uncertain significance. Last evaluated: 2025-03-14. Review status: criteria provided, single submitter. Criteria: GeneDx Variant Classification Process June 2021. Collection method: clinical testing. Allele origin: germline. Affected: yes.
Comment: Not observed at significant frequency in large population cohorts (gnomAD); In silico analysis supports that this missense variant has a deleterious effect on protein structure/function; Has not been previously published as pathogenic or benign to our knowledge; Located in one of the three hot-spot regions of the RYR2 gene, where the majority of pathogenic missense variants occur (PMID: 19926015); This variant is associated with the following publications: (PMID: 19926015)